The following is an entry in ClinVar:

NM_004519.4(KCNQ3):c.48_71del (p.Asp17_Gly24del)

Gene: KCNQ3 (potassium voltage-gated channel subfamily Q member 3; minus strand). Cytogenetic location: 8q24.22.
Variant type: Deletion.
Coding change: c.48_71del on transcript NM_004519.4 (MANE Select); coding-DNA positions 48 to 71, 24 bases deleted (CGACGGGGGCGGCGGAGGCGGCGG).
Protein change: p.Asp17_Gly24del.
Molecular consequence: inframe deletion.
Genome position (GRCh38, 1-based): chr8:132,480,462-132,480,485, CCGCCGCCTCCGCCGCCCCCGTCG deleted on the plus strand (CGACGGGGGCGGCGGAGGCGGCGG on the coding strand, the reverse complement: KCNQ3 is on the minus strand); deleting any 24 consecutive bases within chr8:132,480,462-132,480,493 gives the same sequence; the c. name uses the placement nearest the transcript's 3' end. VCF-style (leftmost placement, unchanged base first): chr8-132480461-CCCGCCGCCTCCGCCGCCCCCGTCG-C. GRCh37 (hg19) VCF-style: chr8-133492708-CCCGCCGCCTCCGCCGCCCCCGTCG-C.
Identifiers: ClinVar variation 1521237 (VCV001521237.6), dbSNP rs1822526136, ClinGen allele CA1119383248.

ClinVar aggregate classification (germline): Uncertain significance (1 of 4 stars; one submission).

Conditions:
Benign neonatal seizures. Also called: Convulsions benign familial neonatal dominant form; Autosomal dominant form of benign neonatal seizures; Benign familial neonatal seizures; Benign familial neonatal epilepsy; Benign neonatal familial convulsions. Identifiers: Orphanet 1949, MedGen C0220669, MONDO:0016027.

Submission:

Labcorp Genetics (formerly Invitae), Labcorp
Classification: Uncertain significance for Benign neonatal seizures. Last evaluated: 2022-06-13. Review status: criteria provided, single submitter. Criteria: Invitae Variant Classification Sherloc (09022015). Collection method: clinical testing. Allele origin: germline.
Comment: Experimental studies and prediction algorithms are not available or were not evaluated, and the functional significance of this variant is currently unknown. This variant has not been reported in the literature in individuals affected with KCNQ3-related conditions. This variant is not present in population databases (gnomAD no frequency). This variant, c.48_71del, results in the deletion of 8 amino acid(s) of the KCNQ3 protein (p.Asp17_Gly24del), but otherwise preserves the integrity of the reading frame. In summary, the available evidence is currently insufficient to determine the role of this variant in disease. Therefore, it has been classified as a Variant of Uncertain Significance.